The following is an entry in ClinVar:

ClinVar aggregate classification (germline): Conflicting classifications of pathogenicity. Review status: criteria provided, conflicting classifications (1 of 4 stars). 5 submissions from 5 submitters: Uncertain significance (4); Likely benign (1). Last evaluated 2025-08-31.

Conditions:
Inborn genetic diseases. Identifiers: MedGen C0950123, MeSH D030342.
Bethlem myopathy 1A. Also called: Bethlem Muscular Dystrophy; Bethlem myopathy 1; MYOPATHY, BENIGN CONGENITAL, WITH CONTRACTURES. Identifiers: Orphanet 610, MedGen CN029274, MONDO:0024530, OMIM 158810.
Ullrich congenital muscular dystrophy 1A. Also called: Intermediate COL6-RD; Ullrich congenital muscular dystrophy 1. Identifiers: Orphanet 75840, MedGen C0410179, MONDO:0009681, OMIM 254090.

Allele frequency attached by ClinVar (database versions not stated): ESP Exome Variant Server 0.00008.

Submissions (5):

Ambry Genetics
Classification: Uncertain significance for Inborn genetic diseases. Last evaluated: 2025-08-31. Review status: criteria provided, single submitter. Criteria: Ambry Variant Classification Scheme 2023. Collection method: clinical testing. Allele origin: germline.

Revvity Omics, Revvity
Classification: Uncertain significance. Last evaluated: 2025-06-17. Review status: criteria provided, single submitter. Criteria: ACMG Guidelines, 2015. Collection method: clinical testing. Allele origin: germline.

Labcorp Genetics (formerly Invitae), Labcorp
Classification: Likely benign for Bethlem myopathy 1A. Last evaluated: 2025-01-27. Review status: criteria provided, single submitter. Criteria: Invitae Variant Classification Sherloc (09022015). Collection method: clinical testing. Allele origin: germline.

Molecular Genetics, Royal Melbourne Hospital
Classification: Uncertain significance for Ullrich congenital muscular dystrophy 1A. Last evaluated: 2023-03-30. Review status: criteria provided, single submitter. Criteria: ACMG Guidelines, 2015. Collection method: clinical testing. Allele origin: germline.
Comment: This sequence change is predicted to replace alanine with glycine at codon 1759 of the COL6A3 protein (p.Ala1759Gly). The alanine residue is not conserved with glycine present multiple times at this position (100 vertebrates, UCSC), and is located in von Willebrand factor type A domain 9. There is a moderate physicochemical difference between alanine and glycine. The variant is present in a large population cohort at a frequency of 0.002%, which is consistent with recessive disease (PM2; rs150200531, 5/251,478 alleles, 0 homozygotes in gnomAD v2.1). The variant has not been reported in relevant medical literature or databases. Multiple lines of computational evidence predict a benign effect for the missense substitution (BP4; 7/7 algorithms). Based on the classification scheme RMH ACMG Guidelines v1.2.1, this variant is classified as VARIANT OF UNCERTAIN SIGNIFICANCE. Following criteria are met: PM2, BP4.

CeGaT Center for Human Genetics Tuebingen
Classification: Uncertain significance. Last evaluated: 2020-06-01. Review status: criteria provided, single submitter. Criteria: CeGaT Center For Human Genetics Tuebingen Variant Classification Criteria Version 2. Collection method: clinical testing. Allele origin: germline. Affected: yes. Observed: 1 variant allele.

NM_004369.4(COL6A3):c.5276C>G (p.Ala1759Gly)

Gene: COL6A3 (collagen type VI alpha 3 chain; minus strand). Cytogenetic location: 2q37.3.
Variant type: single nucleotide variant.
Coding change: c.5276C>G on transcript NM_004369.4 (MANE Select); coding-DNA position 5276, C replaced by G.
Protein change: p.Ala1759Gly; replaces alanine 1759 with glycine.
Molecular consequence: missense variant.
Genome position (GRCh38, 1-based): chr2:237,366,911, G>C on the plus strand (C>G on the coding strand, the complement: COL6A3 is on the minus strand). VCF-style: chr2-237366911-G-C. GRCh37 (hg19) VCF-style: chr2-238275554-G-C.
Other names: c.3455C>G, p.Ala1152Gly (NM_057166.5); c.4658C>G, p.Ala1553Gly (NM_057167.4); short protein forms A1152G, A1553G, A1759G.
Identifiers: ClinVar variation 932713 (VCV000932713.52), dbSNP rs150200531, ClinGen allele CA2188707.